The following is an entry in ClinVar:

ClinVar aggregate classification (germline): Conflicting classifications of pathogenicity. Review status: criteria provided, conflicting classifications (1 of 4 stars). 3 submissions from 3 submitters: Uncertain significance (2); Likely benign (1). Last evaluated 2025-07-11.

Conditions:
Hereditary cancer-predisposing syndrome. Also called: Hereditary neoplastic syndrome; Neoplastic Syndromes, Hereditary; Hereditary Cancer Syndrome; Tumor predisposition. Identifiers: Orphanet 140162, MedGen C0027672, MeSH D009386, MONDO:0015356.
Multiple endocrine neoplasia, type 2 (MEN2). Identifiers: Orphanet 653, MedGen C4048306, MONDO:0019003. Disease mechanism: gain of function.

Allele frequency attached by ClinVar (database versions not stated): gnomAD exomes below 0.00001 and 0.00001; gnomAD 0.00001; TOPMed 0.00002.
gnomAD v4.1: 19 of 1,613,850 alleles (0.0012%); highest among the groups gnomAD compares: Non-Finnish European, 0.0016%; no homozygotes.

Submissions (3):

Color Diagnostics, LLC DBA Color Health
Classification: Uncertain significance for Multiple endocrine neoplasia, type 2. Last evaluated: 2025-07-11. Review status: criteria provided, single submitter. Criteria: ACMG Guidelines, 2015. Collection method: clinical testing. Allele origin: germline.
Comment: This missense variant replaces threonine with isoleucine at codon 488 of the RET protein. Computational prediction suggests that this variant may not impact protein structure and function. To our knowledge, functional studies have not been reported for this variant. This variant has not been reported in individuals affected with RET-related disorders in the literature. This variant has been identified in 1/251048 chromosomes in the general population by the Genome Aggregation Database (gnomAD). The available evidence is insufficient to determine the role of this variant in disease conclusively. Therefore, this variant is classified as a Variant of Uncertain Significance.

Labcorp Genetics (formerly Invitae), Labcorp
Classification: Uncertain significance for Multiple endocrine neoplasia, type 2. Last evaluated: 2024-04-30. Review status: criteria provided, single submitter. Criteria: Invitae Variant Classification Sherloc (09022015). Collection method: clinical testing. Allele origin: germline.
Comment: This sequence change replaces threonine, which is neutral and polar, with isoleucine, which is neutral and non-polar, at codon 488 of the RET protein (p.Thr488Ile). This variant is present in population databases (no rsID available, gnomAD 0.0009%). This variant has not been reported in the literature in individuals affected with RET-related conditions. ClinVar contains an entry for this variant (Variation ID: 1484300). Algorithms developed to predict the effect of missense changes on protein structure and function output the following: SIFT: "Not Available"; PolyPhen-2: "Benign"; Align-GVGD: "Not Available". The isoleucine amino acid residue is found in multiple mammalian species, which suggests that this missense change does not adversely affect protein function. In summary, the available evidence is currently insufficient to determine the role of this variant in disease. Therefore, it has been classified as a Variant of Uncertain Significance.

Ambry Genetics
Classification: Likely benign for Hereditary cancer-predisposing syndrome. Last evaluated: 2023-12-18. Review status: criteria provided, single submitter. Criteria: Ambry Variant Classification Scheme 2023. Collection method: clinical testing. Allele origin: germline.

NM_020975.6(RET):c.1463C>T (p.Thr488Ile)

Gene: RET (ret proto-oncogene; plus strand). Cytogenetic location: 10q11.21.
Variant type: single nucleotide variant.
Coding change: c.1463C>T on transcript NM_020975.6 (MANE Select); coding-DNA position 1463, C replaced by T.
Protein change: p.Thr488Ile; replaces threonine 488 with isoleucine.
Molecular consequence: missense variant.
Genome position (GRCh38, 1-based): chr10:43,111,406, C>T. VCF-style: chr10-43111406-C-T. GRCh37 (hg19) VCF-style: chr10-43606854-C-T.
Other names: c.1463C>T, p.Thr488Ile (NM_000323.2, NM_001406743.1, NM_001406744.1 and 6 more transcripts); c.701C>T, p.Thr234Ile (NM_001355216.2); c.1334C>T, p.Thr445Ile (NM_001406761.1, NM_001406762.1, NM_001406764.1 and 1 more transcripts); c.1175C>T, p.Thr392Ile (NM_001406766.1, NM_001406767.1, NM_001406770.1); c.1067C>T, p.Thr356Ile (NM_001406769.1, NM_001406772.1); c.1025C>T, p.Thr342Ile (NM_001406771.1, NM_001406773.1); c.938C>T, p.Thr313Ile (NM_001406774.1); c.737C>T, p.Thr246Ile (NM_001406775.1, NM_001406776.1, NM_001406777.1 and 1 more transcripts); and 1 more; short protein forms T234I, T488I, T445I, T392I, T158I, T342I, T246I, T313I.
Identifiers: ClinVar variation 1484300 (VCV001484300.11), dbSNP rs1218693745, ClinGen allele CA376549754.
Genomic context (GRCh38, chr10:43,111,406, plus strand): 5'-ATGACACCAAGGCCCTGCGGCGGCCCAAGTGTGCCGAACTTCACTACATGGTGGTGGCCA[C>T]CGACCAGCAGACCTCTAGGCAGGCCCAGGCCCAGCTGCTTGTAACAGTGGAGGGGTCATG-3'
Protein context (NP_066124.1, residues 478-498): CAELHYMVVA[Thr488Ile]DQQTSRQAQA